The following is an entry in ClinVar:

ClinVar aggregate classification (germline): Uncertain significance (1 of 4 stars; one submission).

Conditions:
Inborn genetic diseases. Identifiers: MedGen C0950123, MeSH D030342.

Submission:

Ambry Genetics
Classification: Uncertain significance for Inborn genetic diseases. Last evaluated: 2024-10-17. Review status: criteria provided, single submitter. Criteria: Ambry Variant Classification Scheme 2023. Collection method: clinical testing. Allele origin: germline.
Comment: The p.K502T variant (also known as c.1505A>C), located in coding exon 16 of the FANCA gene, results from an A to C substitution at nucleotide position 1505. The lysine at codon 502 is replaced by threonine, an amino acid with similar properties. This amino acid position is conserved. In addition, the in silico prediction for this alteration is inconclusive. Based on the available evidence, the clinical significance of this variant remains unclear.

NM_000135.4(FANCA):c.1505A>C (p.Lys502Thr)

Gene: FANCA (FA complementation group A; minus strand). Cytogenetic location: 16q24.3.
Variant type: single nucleotide variant.
Coding change: c.1505A>C on transcript NM_000135.4 (MANE Select); coding-DNA position 1505, A replaced by C.
Protein change: p.Lys502Thr; replaces lysine 502 with threonine.
Molecular consequence: missense variant.
Genome position (GRCh38, 1-based): chr16:89,783,068, T>G on the plus strand (A>C on the coding strand, the complement: FANCA is on the minus strand). VCF-style: chr16-89783068-T-G. GRCh37 (hg19) VCF-style: chr16-89849476-T-G.
Other names: c.1505A>C, p.Lys502Thr (NM_001286167.3); short protein forms K502T.
Identifiers: ClinVar variation 3512622 (VCV003512622.1).